The following is an entry in ClinVar:

ClinVar aggregate classification (germline): Uncertain significance (1 of 4 stars; one submission).

Conditions:
Ataxia-telangiectasia syndrome (AT). Also called: Ataxia-telangiectasia, complementation group E; Cerebello-oculocutaneous telangiectasia; Immunodeficiency with ataxia telangiectasia; Ataxia-telangiectasia, complementation group D; AT, COMPLEMENTATION GROUP C; Ataxia-telangiectasia. Identifiers: Orphanet 100, MedGen C0004135, MONDO:0008840, OMIM 208900.

Submission:

Labcorp Genetics (formerly Invitae), Labcorp
Classification: Uncertain significance for Ataxia-telangiectasia syndrome. Last evaluated: 2019-03-11. Review status: criteria provided, single submitter. Criteria: Invitae Variant Classification Sherloc (09022015). Collection method: clinical testing. Allele origin: germline.
Comment: This sequence change falls in intron 22 of the ATM gene. It does not directly change the encoded amino acid sequence of the ATM protein, but it affects a nucleotide within the consensus splice site of the intron. This variant is not present in population databases (ExAC no frequency). This variant has not been reported in the literature in individuals with ATM-related conditions. Nucleotide substitutions within the consensus splice site are a relatively common cause of aberrant splicing (PMID: 17576681, 9536098). Algorithms developed to predict the effect of sequence changes on RNA splicing suggest that this variant may create or strengthen a splice site, but this prediction has not been confirmed by published transcriptional studies. In summary, the available evidence is currently insufficient to determine the role of this variant in disease. Therefore, it has been classified as a Variant of Uncertain Significance.

Literature cited by the submitters: PubMed 17576681; PubMed 9536098.

NM_000051.4(ATM):c.3273_3284+42dup

Gene: ATM (ATM serine/threonine kinase; plus strand). Cytogenetic location: 11q22.3.
Variant type: Duplication.
Coding change: c.3273_3284+42dup on transcript NM_000051.4 (MANE Select); coding-DNA position 3273 through 42 bases into the intron after coding-DNA position 3284, 54 bases duplicated.
Molecular consequence: splice donor variant.
Genome position (GRCh38, 1-based): chr11:108,272,841-108,272,894, 54 bases duplicated. GRCh37 (hg19): chr11:108,143,568-108,143,621.
Other names: c.3273_3284+42dup (NM_001351834.2).
Identifiers: ClinVar variation 847001 (VCV000847001.9), dbSNP rs2081670756, ClinGen allele CA916079952.